The following is an entry in ClinVar:

NM_000138.5(FBN1):c.8058T>A (p.Cys2686Ter)

Gene: FBN1 (fibrillin 1; minus strand). Cytogenetic location: 15q21.1.
Variant type: single nucleotide variant.
Coding change: c.8058T>A on transcript NM_000138.5 (MANE Select); coding-DNA position 8058, T replaced by A.
Protein change: p.Cys2686Ter; replaces cysteine 2686 with a stop codon.
Molecular consequence: nonsense.
Genome position (GRCh38, 1-based): chr15:48,412,737, A>T on the plus strand (T>A on the coding strand, the complement: FBN1 is on the minus strand). VCF-style: chr15-48412737-A-T. GRCh37 (hg19) VCF-style: chr15-48704934-A-T.
Other names: c.8058T>A, p.Cys2686Ter (NM_001406716.1); short protein forms C2686*.
Identifiers: ClinVar variation 2954274 (VCV002954274.3), dbSNP rs2505375924, ClinGen allele CA392321648.

ClinVar aggregate classification (germline): Pathogenic (1 of 4 stars; one submission).

Conditions:
Marfan syndrome (MFS). Also called: MARFAN SYNDROME, TYPE I; Marfan syndrome type 1; Marfan's syndrome; Marfan syndrome, classic; FBN1-Related Marfan Syndrome. Identifiers: Orphanet 284963, Orphanet 558, MedGen C0024796, MONDO:0007947, OMIM 154700.
Familial thoracic aortic aneurysm and aortic dissection (TAAD). Also called: Thoracic aortic aneurysms and dissections. Identifiers: Orphanet 91387, MedGen C4707243, MONDO:0019625.

Submission:

Labcorp Genetics (formerly Invitae), Labcorp
Classification: Pathogenic for Marfan syndrome; Familial thoracic aortic aneurysm and aortic dissection. Last evaluated: 2024-04-14. Review status: criteria provided, single submitter. Criteria: Invitae Variant Classification Sherloc (09022015). Collection method: clinical testing. Allele origin: germline.
Comment: This sequence change creates a premature translational stop signal (p.Cys2686*) in the FBN1 gene. It is expected to result in an absent or disrupted protein product. Loss-of-function variants in FBN1 are known to be pathogenic (PMID: 17657824, 19293843). This variant is not present in population databases (gnomAD no frequency). This variant has not been reported in the literature in individuals affected with FBN1-related conditions. For these reasons, this variant has been classified as Pathogenic.

Literature cited by the submitters: PubMed 17657824; PubMed 19293843.